The following is an entry in ClinVar:

ClinVar aggregate classification (germline): Uncertain significance. Review status: criteria provided, multiple submitters, no conflicts (2 of 4 stars). 2 submissions from 2 submitters: Uncertain significance (2). Last evaluated 2024-02-07.

Conditions:
Intellectual developmental disorder, autosomal recessive 77 (MRT77). Identifiers: MedGen C5774193, MONDO:0031031, OMIM 619988.

Submissions (2):

Pittsburgh Clinical Genomics Laboratory, University of Pittsburgh Medical Center
Classification: Uncertain significance for Intellectual developmental disorder, autosomal recessive 77. Last evaluated: 2024-02-07. Review status: criteria provided, single submitter. Criteria: ACMG Guidelines, 2015. Collection method: clinical testing. Allele origin: germline. Inheritance: Autosomal recessive inheritance. Affected: yes.
Comment: This sequence variant is a single nucleotide substitution (G>A) at position 963 of the coding sequence of the CEP104 gene that results in a methionine to isoleucine amino acid change at residue 321 of the centrosomal protein 104 protein. This is a previously reported variant (ClinVar 2442652) that has not been observed in the literature in individuals affected by CEP104-related disease, to our knowledge. This variant is absent from the gnomAD v4.0.0 population database (0/~1614000 alleles). Multiple bioinformatic tools predict that this amino acid change would be neutral, and the Met321 residue at this position is poorly conserved across the vertebrate species examined. Studies examining the functional consequence of this variant have not been performed, to our knowledge. At this time, there is insufficient evidence to determine if this variant is pathogenic or benign. Therefore, we consider this a variant of uncertain significance. ACMG Criteria: BP1, BP4, PM2

GeneDx
Classification: Uncertain significance. Last evaluated: 2022-08-31. Review status: criteria provided, single submitter. Criteria: GeneDx Variant Classification Process June 2021. Collection method: clinical testing. Allele origin: germline. Affected: yes.
Comment: Not observed at significant frequency in large population cohorts (gnomAD); In silico analysis supports that this missense variant does not alter protein structure/function; Has not been previously published as pathogenic or benign to our knowledge

NM_014704.4(CEP104):c.963G>A (p.Met321Ile)

Gene: CEP104 (centrosomal protein 104; minus strand). Cytogenetic location: 1p36.32.
Variant type: single nucleotide variant.
Coding change: c.963G>A on transcript NM_014704.4 (MANE Select); coding-DNA position 963, G replaced by A.
Protein change: p.Met321Ile; replaces methionine 321 with isoleucine.
Molecular consequence: missense variant.
Genome position (GRCh38, 1-based): chr1:3,837,448, C>T on the plus strand (G>A on the coding strand, the complement: CEP104 is on the minus strand). VCF-style: chr1-3837448-C-T. GRCh37 (hg19) VCF-style: chr1-3754012-C-T.
Other names: short protein forms M321I.
Identifiers: ClinVar variation 2442652 (VCV002442652.2), dbSNP rs2525455778, ClinGen allele CA338042376.